The following is an entry in ClinVar:

NM_001035.3(RYR2):c.2812G>C (p.Glu938Gln)

Gene: RYR2 (ryanodine receptor 2; plus strand). Cytogenetic location: 1q43.
Variant type: single nucleotide variant.
Coding change: c.2812G>C on transcript NM_001035.3 (MANE Select); coding-DNA position 2812, G replaced by C.
Protein change: p.Glu938Gln; replaces glutamic acid 938 with glutamine.
Molecular consequence: missense variant.
Genome position (GRCh38, 1-based): chr1:237,511,781, G>C. VCF-style: chr1-237511781-G-C. GRCh37 (hg19) VCF-style: chr1-237675081-G-C.
Other names: short protein forms E938Q.
Identifiers: ClinVar variation 4800062 (VCV004800062.1).

ClinVar aggregate classification (germline): Uncertain significance (1 of 4 stars; one submission).

Conditions:
Catecholaminergic polymorphic ventricular tachycardia 1. Also called: VENTRICULAR TACHYCARDIA, STRESS-INDUCED POLYMORPHIC 1; RYR2-Related Catecholaminergic Polymorphic Ventricular Tachycardia; VENTRICULAR TACHYCARDIA, CATECHOLAMINERGIC POLYMORPHIC, 1, WITH OR WITHOUT ATRIAL DYSFUNCTION AND/OR DILATED CARDIOMYOPATHY. Identifiers: Orphanet 3286, MedGen C1631597, MONDO:0011484, OMIM 604772.

Submission:

Labcorp Genetics (formerly Invitae), Labcorp
Classification: Uncertain significance for Catecholaminergic polymorphic ventricular tachycardia 1. Last evaluated: 2025-12-14. Review status: criteria provided, single submitter. Criteria: Invitae Variant Classification Sherloc (09022015). Collection method: clinical testing. Allele origin: germline.
Comment: This sequence change replaces glutamic acid, which is acidic and polar, with glutamine, which is neutral and polar, at codon 938 of the RYR2 protein (p.Glu938Gln). This variant is not present in population databases (gnomAD no frequency). This variant has not been reported in the literature in individuals affected with RYR2-related conditions. Invitae Evidence Modeling of protein sequence and biophysical properties (such as structural, functional, and spatial information, amino acid conservation, physicochemical variation, residue mobility, and thermodynamic stability) indicates that this missense variant is not expected to disrupt RYR2 protein function with a negative predictive value of 95%. In summary, the available evidence is currently insufficient to determine the role of this variant in disease. Therefore, it has been classified as a Variant of Uncertain Significance.